The following is an entry in ClinVar:

NM_001142864.4(PIEZO1):c.4341del (p.Tyr1448fs)

Gene: PIEZO1 (piezo type mechanosensitive ion channel component 1 (Er blood group); minus strand). Cytogenetic location: 16q24.3.
Variant type: Deletion.
Coding change: c.4341del on transcript NM_001142864.4 (MANE Select); coding-DNA position 4341, one base deleted (G; older notation c.4341delG).
Protein change: p.Tyr1448fs; shifts the reading frame from tyrosine 1448.
Molecular consequence: frameshift variant.
Genome position (GRCh38, 1-based): chr16:88,723,323, C deleted on the plus strand (G on the coding strand, the reverse complement: PIEZO1 is on the minus strand). VCF-style (leftmost placement, unchanged base first): chr16-88723322-AC-A. GRCh37 (hg19) VCF-style: chr16-88789730-AC-A.
Other names: c.2883delG, p.Tyr962Thrfs (NM_014745.1); short protein forms Y1448fs.
Identifiers: ClinVar variation 2505200 (VCV002505200.1), dbSNP rs2507861194, ClinGen allele CA2580614108.

ClinVar aggregate classification (germline): Likely pathogenic (1 of 4 stars; one submission).

Conditions:
Lymphatic malformation 6 (LMPHM6). Also called: GENERALIZED LYMPHATIC DYSPLASIA OF FOTIOU; Lymphedema, hereditary, III; PIEZO1-related generalized lymphatic dysplasia with non-immune hydrops fetalis. Identifiers: Orphanet 568062, MedGen C4225184, MONDO:0014797, OMIM 616843.

Submission:

Greenwood Genetic Center Diagnostic Laboratories, Greenwood Genetic Center
Classification: Likely pathogenic for Lymphatic malformation 6. Last evaluated: 2023-03-08. Review status: criteria provided, single submitter. Criteria: ACMG Guidelines, 2015. Collection method: clinical testing. Allele origin: germline. Affected: yes.
Comment: PVS1, PM2